The following is an entry in ClinVar:

NM_024675.4(PALB2):c.1378C>T (p.Gln460Ter)

Gene: PALB2 (partner and localizer of BRCA2; minus strand). Cytogenetic location: 16p12.2.
Variant type: single nucleotide variant.
Coding change: c.1378C>T on transcript NM_024675.4 (MANE Select); coding-DNA position 1378, C replaced by T.
Protein change: p.Gln460Ter; replaces glutamine 460 with a stop codon.
Molecular consequence: nonsense.
Genome position (GRCh38, 1-based): chr16:23,635,168, G>A on the plus strand (C>T on the coding strand, the complement: PALB2 is on the minus strand). VCF-style: chr16-23635168-G-A. GRCh37 (hg19) VCF-style: chr16-23646489-G-A.
Other names: short protein forms Q460*.
Identifiers: ClinVar variation 229742 (VCV000229742.19), dbSNP rs876658166, ClinGen allele CA10580012.
Genomic context (GRCh38, chr16:23,635,168, plus strand): 5'-TCTGAGAGGTTCTTGAACTTGGTTGTCCTGTGCATGTGCCAGACATCCTAATTTCACTTT[G>A]GTCAGTTTCCTCATTGGAAAGGTTTAAATTTTTACTTGCATCCTTATTTTTATTTTTAAA-3'

ClinVar aggregate classification (germline): Pathogenic. Review status: criteria provided, multiple submitters, no conflicts (2 of 4 stars). 5 submissions from 5 submitters: Pathogenic (5). Last evaluated 2025-02-26.

Conditions:
Hereditary cancer-predisposing syndrome. Also called: Hereditary Cancer Syndrome; Tumor predisposition; Hereditary neoplastic syndrome; Neoplastic Syndromes, Hereditary. Identifiers: Orphanet 140162, MedGen C0027672, MeSH D009386, MONDO:0015356.
Familial cancer of breast. Also called: hereditary breast carcinoma; BREAST CANCER, FAMILIAL; Hereditary breast cancer. Identifiers: Orphanet 227535, MedGen C0346153, MONDO:0016419, OMIM 114480. Disease mechanism: loss of function.

Submissions (5):

Clinical Genetics Laboratory, University Hospital Schleswig-Holstein
Classification: Pathogenic for Familial cancer of breast. Last evaluated: 2025-02-26. Review status: criteria provided, single submitter. Criteria: ACMG Guidelines, 2015. Collection method: clinical testing. Allele origin: germline. Affected: yes. Observed: 1 heterozygote.
Comment: ACMG criteria applied: PVS1, PS4, PM2

Myriad Genetics, Inc.
Classification: Pathogenic for Familial cancer of breast. Last evaluated: 2023-09-08. Review status: criteria provided, single submitter. Criteria: Myriad Autosomal Dominant, Autosomal Recessive and X-Linked Classification Criteria (2023). Collection method: clinical testing. Allele origin: unknown.
Comment: This variant is considered pathogenic. This variant creates a termination codon and is predicted to result in premature protein truncation.

Labcorp Genetics (formerly Invitae), Labcorp
Classification: Pathogenic for Familial cancer of breast. Last evaluated: 2023-04-03. Review status: criteria provided, single submitter. Criteria: Invitae Variant Classification Sherloc (09022015). Collection method: clinical testing. Allele origin: germline.
Comment: For these reasons, this variant has been classified as Pathogenic. ClinVar contains an entry for this variant (Variation ID: 229742). This premature translational stop signal has been observed in individual(s) with breast cancer (PMID: 28724667). This variant is not present in population databases (gnomAD no frequency). This sequence change creates a premature translational stop signal (p.Gln460*) in the PALB2 gene. It is expected to result in an absent or disrupted protein product. Loss-of-function variants in PALB2 are known to be pathogenic (PMID: 17200668, 17200671, 17200672, 24136930, 25099575).

Ambry Genetics
Classification: Pathogenic for Hereditary cancer-predisposing syndrome. Last evaluated: 2022-05-24. Review status: criteria provided, single submitter. Criteria: Ambry Variant Classification Scheme 2023. Collection method: clinical testing. Allele origin: germline.
Comment: The p.Q460* pathogenic mutation (also known as c.1378C>T), located in coding exon 4 of the PALB2 gene, results from a C to T substitution at nucleotide position 1378. This changes the amino acid from a glutamine to a stop codon within coding exon 4. This alteration is expected to result in loss of function by premature protein truncation or nonsense-mediated mRNA decay. As such, this alteration is interpreted as a disease-causing mutation.

Color Diagnostics, LLC DBA Color Health
Classification: Pathogenic for Hereditary cancer-predisposing syndrome. Last evaluated: 2022-03-10. Review status: criteria provided, single submitter. Criteria: ACMG Guidelines, 2015. Collection method: clinical testing. Allele origin: germline.
Comment: This variant changes 1 nucleotide in exon 4 of the PALB2 gene, creating a premature translation stop signal. This variant is expected to result in an absent or non-functional protein product. This variant has not been identified in the general population by the Genome Aggregation Database (gnomAD). Loss of PALB2 function is a known mechanism of disease. Based on the available evidence, this variant is classified as Pathogenic.

Literature cited by the submitters: PubMed 28724667 (cited by Labcorp Genetics (formerly Invitae), Labcorp); PubMed 17200668 (cited by Labcorp Genetics (formerly Invitae), Labcorp); PubMed 17200671 (cited by Labcorp Genetics (formerly Invitae), Labcorp); PubMed 17200672 (cited by Labcorp Genetics (formerly Invitae), Labcorp); PubMed 24136930 (cited by Labcorp Genetics (formerly Invitae), Labcorp); PubMed 25099575 (cited by Labcorp Genetics (formerly Invitae), Labcorp).